The following is an entry in ClinVar:

NM_001042492.3(NF1):c.7189+2T>C

Gene: NF1 (neurofibromin 1; plus strand). Cytogenetic location: 17q11.2.
Variant type: single nucleotide variant.
Coding change: c.7189+2T>C on transcript NM_001042492.3 (MANE Select); the canonical splice donor site of the intron after coding-DNA position 7189, T replaced by C.
Molecular consequence: splice donor variant.
Genome position (GRCh38, 1-based): chr17:31,343,137, T>C. VCF-style: chr17-31343137-T-C. GRCh37 (hg19) VCF-style: chr17-29670155-T-C.
Other names: c.7126+2T>C (NM_000267.4).
Identifiers: ClinVar variation 2015512 (VCV002015512.5), dbSNP rs2508780409, ClinGen allele CA399015797.

ClinVar aggregate classification (germline): Pathogenic. Review status: criteria provided, multiple submitters, no conflicts (2 of 4 stars). 2 submissions from 2 submitters: Pathogenic (2). Last evaluated 2025-09-10.

Conditions:
Neurofibromatosis, type 1 (NF1). Also called: Neurofibromatosis, type I; Peripheral type neurofibromatosis; VON RECKLINGHAUSEN DISEASE; NEUROFIBROMATOSIS, TYPE I, SOMATIC. Identifiers: Orphanet 636, MedGen C0027831, MONDO:0018975, OMIM 162200. Disease mechanism: loss of function.

Submissions (2):

GeneDx
Classification: Pathogenic. Last evaluated: 2025-09-10. Review status: criteria provided, single submitter. Criteria: GeneDx Variant Classification Process June 2021. Collection method: clinical testing. Allele origin: germline. Affected: yes.
Comment: Canonical splice site variant predicted to result in a null allele in a gene for which loss of function is a known mechanism of disease; Not observed at significant frequency in large population cohorts (gnomAD); Has not been previously published as pathogenic or benign to our knowledge; This variant is associated with the following publications: (PMID: 26740943)

Labcorp Genetics (formerly Invitae), Labcorp
Classification: Pathogenic for Neurofibromatosis, type 1. Last evaluated: 2025-07-16. Review status: criteria provided, single submitter. Criteria: Invitae Variant Classification Sherloc (09022015). Collection method: clinical testing. Allele origin: germline.
Comment: This sequence change affects a donor splice site in intron 47 of the NF1 gene. RNA analysis indicates that disruption of this splice site induces altered splicing and may result in an absent or altered protein product. This variant is not present in population databases (gnomAD no frequency). Disruption of this splice site has been observed in individual(s) with neurofibromatosis type 1 (PMID: 26740943; internal data). ClinVar contains an entry for this variant (Variation ID: 2015512). Studies have shown that disruption of this splice site results in skipping of exon 47, and produces a non-functional protein and/or introduces a premature termination codon (internal data). For these reasons, this variant has been classified as Pathogenic.

Literature cited by the submitters: PubMed 26740943 (cited by Labcorp Genetics (formerly Invitae), Labcorp).